The following is an entry in ClinVar:

ClinVar aggregate classification (germline): Uncertain significance (1 of 4 stars; one submission).

Conditions:
Hereditary nonpolyposis colorectal neoplasms. Identifiers: MedGen C0009405, MeSH D003123.

Submission:

Labcorp Genetics (formerly Invitae), Labcorp
Classification: Uncertain significance for Hereditary nonpolyposis colorectal neoplasms. Last evaluated: 2018-04-20. Review status: criteria provided, single submitter. Criteria: Invitae Variant Classification Sherloc (09022015). Collection method: clinical testing. Allele origin: germline.
Comment: This sequence change falls in intron 7 of the PMS2 gene. It does not directly change the encoded amino acid sequence of the PMS2 protein, but it affects a nucleotide within the consensus splice site of the intron. This variant is not present in population databases (ExAC no frequency). This variant has not been reported in the literature in individuals with PMS2-related disease. Nucleotide substitutions within the consensus splice site are a relatively common cause of aberrant splicing (PMID: 17576681, 9536098). Algorithms developed to predict the effect of sequence changes on RNA splicing suggest that this variant may disrupt the consensus splice site, but this prediction has not been confirmed by published transcriptional studies. In summary, the available evidence is currently insufficient to determine the role of this variant in disease. Therefore, it has been classified as a Variant of Uncertain Significance.

Literature cited by the submitters: PubMed 17576681; PubMed 9536098.

NM_000535.7(PMS2):c.804-3T>G

Gene: PMS2 (PMS1 homolog 2, mismatch repair system component; minus strand). Cytogenetic location: 7p22.1.
Variant type: single nucleotide variant.
Coding change: c.804-3T>G on transcript NM_000535.7 (MANE Select); 3 bases into the intron before coding-DNA position 804, T replaced by G.
Molecular consequence: intron variant.
Genome position (GRCh38, 1-based): chr7:5,995,636, A>C on the plus strand (T>G on the coding strand, the complement: PMS2 is on the minus strand). VCF-style: chr7-5995636-A-C. GRCh37 (hg19) VCF-style: chr7-6035267-A-C.
Other names: c.486-3T>G (NM_001322008.2, NM_001322007.2); c.399-3T>G (NM_001322010.2, NM_001322004.2, NM_001322003.2 and 2 more transcripts); c.231-3T>G (NM_001322013.2); c.-130-3T>G (NM_001322012.2, NM_001322011.2); c.495-3T>G (NM_001322015.2); c.804-3T>G (NM_001322006.2, NM_001322014.2).
Identifiers: ClinVar variation 1039043 (VCV001039043.8), dbSNP rs1562664868, ClinGen allele CA1685259648.